The following is an entry in ClinVar:

NM_001556.3(IKBKB):c.1660C>T (p.Arg554Trp)

Gene: IKBKB (inhibitor of nuclear factor kappa B kinase subunit beta; plus strand). Cytogenetic location: 8p11.21.
Variant type: single nucleotide variant.
Coding change: c.1660C>T on transcript NM_001556.3 (MANE Select); coding-DNA position 1660, C replaced by T.
Protein change: p.Arg554Trp; replaces arginine 554 with tryptophan.
Molecular consequence: missense variant. On other transcripts: non-coding transcript variant (3).
Genome position (GRCh38, 1-based): chr8:42,320,816, C>T. VCF-style: chr8-42320816-C-T. GRCh37 (hg19) VCF-style: chr8-42178334-C-T.
Other names: c.1468C>T, p.Arg490Trp (NM_001190720.3); c.1483C>T, p.Arg495Trp (NM_001242778.2); short protein forms R495W, R490W, R554W.
Identifiers: ClinVar variation 2175439 (VCV002175439.4), dbSNP rs17875749, ClinGen allele CA4732071.
Genomic context (GRCh38, chr8:42,320,816, plus strand): 5'-GTAGAACGGATGATGGCTCTGCAGACCGACATTGTGGACTTACAGAGGAGCCCCATGGGC[C>T]GGAAGCAGGGGGGAACGCTGGACGACCTGTGAGTACTGGCTGGGGGGCCCCTCTGTGCCC-3'
Protein context (NP_001547.1, residues 544-564): IVDLQRSPMG[Arg554Trp]KQGGTLDDLE

ClinVar aggregate classification (germline): Uncertain significance (1 of 4 stars; one submission).

Conditions:
Severe combined immunodeficiency due to IKK2 deficiency. Also called: Immunodeficiency 15; IMMUNODEFICIENCY 15B. Identifiers: Orphanet 397787, MedGen C4747743, MONDO:0014267, OMIM 615592.

Allele frequency attached by ClinVar (database versions not stated): ExAC 0.00002; gnomAD exomes 0.00002; TOPMed 0.00004; gnomAD 0.00006; 1000 Genomes Project 30x 0.00016; 1000 Genomes Project 0.00020.

Submission:

Labcorp Genetics (formerly Invitae), Labcorp
Classification: Uncertain significance for Severe combined immunodeficiency due to IKK2 deficiency. Last evaluated: 2024-04-22. Review status: criteria provided, single submitter. Criteria: Invitae Variant Classification Sherloc (09022015). Collection method: clinical testing. Allele origin: germline.
Comment: This sequence change replaces arginine, which is basic and polar, with tryptophan, which is neutral and slightly polar, at codon 554 of the IKBKB protein (p.Arg554Trp). This variant is present in population databases (rs17875749, gnomAD 0.008%). This variant has not been reported in the literature in individuals affected with IKBKB-related conditions. ClinVar contains an entry for this variant (Variation ID: 2175439). Advanced modeling of protein sequence and biophysical properties (such as structural, functional, and spatial information, amino acid conservation, physicochemical variation, residue mobility, and thermodynamic stability) performed at Invitae indicates that this missense variant is not expected to disrupt IKBKB protein function with a negative predictive value of 95%. In summary, the available evidence is currently insufficient to determine the role of this variant in disease. Therefore, it has been classified as a Variant of Uncertain Significance.